The following is an entry in ClinVar:

NM_000535.7(PMS2):c.2345_2347del (p.Asp782del)

Gene: PMS2 (PMS1 homolog 2, mismatch repair system component; minus strand). Cytogenetic location: 7p22.1.
Variant type: Deletion.
Coding change: c.2345_2347del on transcript NM_000535.7 (MANE Select); coding-DNA positions 2345 to 2347, 3 bases deleted (ACG; older notation c.2345_2347delACG).
Protein change: p.Asp782del; deletes aspartic acid 782.
Molecular consequence: inframe deletion. On other transcripts: non-coding transcript variant (1).
Genome position (GRCh38, 1-based): chr7:5,977,686-5,977,688, CGT deleted on the plus strand (ACG on the coding strand, the reverse complement: PMS2 is on the minus strand); deleting any 3 consecutive bases within chr7:5,977,686-5,977,689 gives the same sequence; the c. name uses the placement nearest the transcript's 3' end. VCF-style (leftmost placement, unchanged base first): chr7-5977685-ACGT-A. GRCh37 (hg19) VCF-style: chr7-6017316-ACGT-A.
Other names: c.2345_2347del (NM_000535.5); c.1940_1942del, p.Asp647del (NM_001322003.2, NM_001322004.2, NM_001322005.2); c.2189_2191del, p.Asp730del (NM_001322006.2); c.2027_2029del, p.Asp676del (NM_001322007.2, NM_001322008.2); c.1973_1975del, p.Asp658del (NM_001322009.2); c.1784_1786del, p.Asp595del (NM_001322010.2); c.1412_1414del, p.Asp471del (NM_001322011.2, NM_001322012.2); c.1772_1774del, p.Asp591del (NM_001322013.2); and 2 more; short protein forms D782del, D595del, D658del, D730del, D591del, D647del, D471del, D676del.
Identifiers: ClinVar variation 480361 (VCV000480361.14), dbSNP rs1554293941, ClinGen allele CA658655960.

ClinVar aggregate classification (germline): Uncertain significance. Review status: criteria provided, multiple submitters, no conflicts (2 of 4 stars). 2 submissions from 2 submitters: Uncertain significance (2). Last evaluated 2024-04-12.

Conditions:
Hereditary nonpolyposis colorectal neoplasms. Identifiers: MedGen C0009405, MeSH D003123.
Hereditary cancer-predisposing syndrome. Also called: Hereditary Cancer Syndrome; Neoplastic Syndromes, Hereditary; Tumor predisposition; Hereditary neoplastic syndrome. Identifiers: Orphanet 140162, MedGen C0027672, MeSH D009386, MONDO:0015356.

Submissions (2):

Labcorp Genetics (formerly Invitae), Labcorp
Classification: Uncertain significance for Hereditary nonpolyposis colorectal neoplasms. Last evaluated: 2024-04-12. Review status: criteria provided, single submitter. Criteria: Invitae Variant Classification Sherloc (09022015). Collection method: clinical testing. Allele origin: germline.
Comment: This variant, c.2345_2347del, results in the deletion of 1 amino acid(s) of the PMS2 protein (p.Asp782del), but otherwise preserves the integrity of the reading frame. The frequency data for this variant in the population databases (gnomAD) is considered unreliable due to the presence of homologous sequence, such as pseudogenes or paralogs, in the genome. This variant has not been reported in the literature in individuals affected with PMS2-related conditions. ClinVar contains an entry for this variant (Variation ID: 480361). Algorithms developed to predict the effect of sequence changes on RNA splicing suggest that this variant may create or strengthen a splice site. In summary, the available evidence is currently insufficient to determine the role of this variant in disease. Therefore, it has been classified as a Variant of Uncertain Significance.

Ambry Genetics
Classification: Uncertain significance for Hereditary cancer-predisposing syndrome. Last evaluated: 2018-01-05. Review status: criteria provided, single submitter. Criteria: Ambry Variant Classification Scheme 2023. Collection method: clinical testing. Allele origin: germline.
Comment: The c.2345_2347delACG variant (also known as p.D782del) is located in coding exon 14 of the PMS2 gene. This variant results from the deletion of three nucleotides (ACG) at positions 2345 to 2347, causing the removal of a highly-conserved aspartic acid residue at codon 782. Since supporting evidence is limited at this time, the clinical significance of this alteration remains unclear.